The following is an entry in ClinVar:

ClinVar aggregate classification (germline): Uncertain significance. Review status: criteria provided, multiple submitters, no conflicts (2 of 4 stars). 3 submissions from 3 submitters: Uncertain significance (3). Last evaluated 2025-12-23.

Conditions:
Progressive familial heart block type IB (PFHB1B). Identifiers: Orphanet 871, MedGen C1970298, MONDO:0011474, OMIM 604559.
Cardiovascular phenotype. Identifiers: MedGen CN230736.

Submissions (3):

Labcorp Genetics (formerly Invitae), Labcorp
Classification: Uncertain significance for Progressive familial heart block type IB. Last evaluated: 2025-12-23. Review status: criteria provided, single submitter. Criteria: Invitae Variant Classification Sherloc (09022015). Collection method: clinical testing. Allele origin: germline.
Comment: This sequence change creates a premature translational stop signal (p.Pro438Alafs*2) in the TRPM4 gene. It is expected to result in an absent or disrupted protein product. However, the current clinical and genetic evidence is not sufficient to establish whether loss-of-function variants in TRPM4 cause disease. This variant is present in population databases (rs755946769, gnomAD 0.006%). This variant has not been reported in the literature in individuals affected with TRPM4-related conditions. ClinVar contains an entry for this variant (Variation ID: 518808). In summary, the available evidence is currently insufficient to determine the role of this variant in disease. Therefore, it has been classified as a Variant of Uncertain Significance.

Clinical Genetics Laboratory, Skane University Hospital Lund
Classification: Uncertain significance. Last evaluated: 2022-06-13. Review status: criteria provided, single submitter. Criteria: ACMG Guidelines, 2015. Collection method: clinical testing. Allele origin: germline. Affected: yes.

Ambry Genetics
Classification: Uncertain significance for Cardiovascular phenotype. Last evaluated: 2016-08-23. Review status: criteria provided, single submitter. Criteria: Ambry Variant Classification Scheme 2023. Collection method: clinical testing. Allele origin: germline.
Comment: The c.1311dupG variant, located in coding exon 11 of the TRPM4 gene, results from a duplication of G at nucleotide position 1311, causing a translational frameshift with a predicted alternate stop codon (p.P438SAfs*2). Based on data from ExAC, the dupG allele has an overall frequency of <0.01% (5/120740). This alteration is expected to result in loss of function by premature protein truncation or nonsense-mediated mRNA decay. However, loss of function of TRPM4 has not been clearly established as a mechanism of disease. Since supporting evidence is limited at this time, the clinical significance of this alteration remains unclear.

NM_017636.4(TRPM4):c.1311dup (p.Pro438fs)

Gene: TRPM4 (transient receptor potential cation channel subfamily M member 4; plus strand). Cytogenetic location: 19q13.33.
Variant type: Duplication.
Coding change: c.1311dup on transcript NM_017636.4 (MANE Select); coding-DNA position 1311, one base duplicated (G; older notation c.1311dupG).
Protein change: p.Pro438fs; shifts the reading frame from proline 438.
Molecular consequence: frameshift variant. On other transcripts: 5 prime UTR variant (1).
Genome position (GRCh38, 1-based): chr19:49,182,625, G duplicated; the last of 2 consecutive G bases (chr19:49,182,624-49,182,625); duplicating either gives the same sequence. VCF-style (leftmost placement, unchanged base first): chr19-49182623-C-CG. GRCh37 (hg19) VCF-style: chr19-49685880-C-CG.
Other names: c.1311dupG (NM_017636.3); c.1311dup, p.Pro438fs (NM_001195227.2); c.966dup, p.Pro323fs (NM_001321281.2); c.-243dup (NM_001321282.2); c.789dup, p.Pro264fs (NM_001321283.2); c.249dup, p.Pro84fs (NM_001321285.2); short protein forms P438fs, P84fs, P264fs, P323fs.
Identifiers: ClinVar variation 518808 (VCV000518808.11), dbSNP rs755946769, ClinGen allele CA9569164.